The following is an entry in ClinVar:

NM_004360.5(CDH1):c.687+5G>C

Gene: CDH1 (cadherin 1; plus strand). Cytogenetic location: 16q22.1.
Variant type: single nucleotide variant.
Coding change: c.687+5G>C on transcript NM_004360.5 (MANE Select); 5 bases into the intron after coding-DNA position 687, G replaced by C.
Molecular consequence: intron variant.
Genome position (GRCh38, 1-based): chr16:68,808,853, G>C. VCF-style: chr16-68808853-G-C. GRCh37 (hg19) VCF-style: chr16-68842756-G-C.
Other names: c.687+5G>C (LRG_301t1, NM_001317184.2); c.-929+5G>C (NM_001317185.2); c.-1133+5G>C (NM_001317186.2).
Identifiers: ClinVar variation 185747 (VCV000185747.5), dbSNP rs786202423, ClinGen allele CA192822.
Genomic context (GRCh38, chr16:68,808,853, plus strand): 5'-CAGGATGGCTGAAGGTGACAGAGCCTCTGGATAGAGAACGCATTGCCACATACACTGTAA[G>C]TATCTCTTAGAAGCTTGTTGACACCGGGGTAACATCCACCCAGGATTTTTTGGTCAACCC-3'

ClinVar aggregate classification (germline): Uncertain significance (1 of 4 stars; one submission).

Conditions:
Hereditary cancer-predisposing syndrome. Also called: Hereditary neoplastic syndrome; Neoplastic Syndromes, Hereditary; Tumor predisposition; Hereditary Cancer Syndrome. Identifiers: Orphanet 140162, MedGen C0027672, MeSH D009386, MONDO:0015356.

Submission:

Ambry Genetics
Classification: Uncertain significance for Hereditary cancer-predisposing syndrome. Last evaluated: 2022-06-07. Review status: criteria provided, single submitter. Criteria: Ambry Variant Classification Scheme 2023. Collection method: clinical testing. Allele origin: germline.
Comment: The c.687+5G>C intronic variant results from a G to C substitution 5 nucleotides after coding exon 5 in the CDH1 gene. This nucleotide position is highly conserved in available vertebrate species. In silico splice site analysis predicts that this alteration will result in the creation or strengthening of a novel splice donor site; however, direct evidence is insufficient at this time (Ambry internal data). Since supporting evidence is limited at this time, the clinical significance of this alteration remains unclear.